The following is an entry in ClinVar:

NM_022455.5(NSD1):c.5714G>C (p.Cys1905Ser)

Gene: NSD1 (nuclear receptor binding SET domain protein 1; plus strand). Cytogenetic location: 5q35.3.
Variant type: single nucleotide variant.
Coding change: c.5714G>C on transcript NM_022455.5 (MANE Select); coding-DNA position 5714, G replaced by C.
Protein change: p.Cys1905Ser; replaces cysteine 1905 with serine.
Molecular consequence: missense variant.
Genome position (GRCh38, 1-based): chr5:177,280,656, G>C. VCF-style: chr5-177280656-G-C. GRCh37 (hg19) VCF-style: chr5-176707657-G-C.
Other names: c.4841G>C, p.Cys1614Ser (NM_001365684.2, NM_172349.5, NM_001409308.1 and 1 more transcripts); c.5714G>C, p.Cys1905Ser (NM_001409301.1, NM_001409302.1, NM_001409303.1); c.5294G>C, p.Cys1765Ser (NM_001409304.1); c.4961G>C, p.Cys1654Ser (NM_001409305.1); c.4952G>C, p.Cys1651Ser (NM_001409306.1, NM_001409307.1); short protein forms C1905S, C1636S, C1614S, C1651S, C1654S, C1765S.
Identifiers: ClinVar variation 452389 (VCV000452389.15), dbSNP rs1554204110, ClinGen allele CA362312694.

ClinVar aggregate classification (germline): Conflicting classifications of pathogenicity. Review status: criteria provided, conflicting classifications (1 of 4 stars). 3 submissions from 3 submitters: Likely pathogenic (1); Uncertain significance (2). Last evaluated 2021-07-15.

Conditions:
Sotos syndrome (SOTOS). Also called: CEREBRAL GIGANTISM; Sotos' syndrome; Distinctive facial appearance, overgrowth in childhood, and learning disabilities or delayed development; CHROMOSOME 5q35 DELETION SYNDROME; SOTOS SYNDROME 1. Identifiers: Orphanet 821, MedGen C0175695, MONDO:0019349, OMIM 117550.

Submissions (3):

Genome-Nilou Lab
Classification: Uncertain significance for Sotos syndrome. Last evaluated: 2021-07-15. Review status: criteria provided, single submitter. Criteria: ACMG Guidelines, 2015. Collection method: clinical testing. Allele origin: germline. Affected: no.

Labcorp Genetics (formerly Invitae), Labcorp
Classification: Likely pathogenic. Last evaluated: 2019-12-26. Review status: criteria provided, single submitter. Criteria: Invitae Variant Classification Sherloc (09022015). Collection method: clinical testing. Allele origin: germline.
Comment: This sequence change replaces cysteine with serine at codon 1905 of the NSD1 protein (p.Cys1905Ser). The cysteine residue is highly conserved and there is a moderate physicochemical difference between cysteine and serine. This variant is not present in population databases (ExAC no frequency). This variant has been observed in individual(s) with Sotos syndrome (Invitae). In at least one individual the variant was observed to be de novo. ClinVar contains an entry for this variant (Variation ID: 452389). Algorithms developed to predict the effect of missense changes on protein structure and function are either unavailable or do not agree on the potential impact of this missense change (SIFT: "Deleterious"; PolyPhen-2: "Probably Damaging"; Align-GVGD: "Class C0"). In summary, the currently available evidence indicates that the variant is pathogenic, but additional data are needed to prove that conclusively. Therefore, this variant has been classified as Likely Pathogenic.

GeneDx
Classification: Uncertain significance. Last evaluated: 2017-09-28. Review status: criteria provided, single submitter. Criteria: GeneDx Variant Classification (06012015). Collection method: clinical testing. Allele origin: germline. Affected: yes.
Comment: A variant of uncertain significance has been identified in the NSD1 gene. The C1905S variant has not been published as a pathogenic variant, nor has it been reported as a benign variant to our knowledge. The C1905S variant is not observed in large population cohorts (Lek et al., 2016). The C1905S variant is a non-conservative amino acid substitution, which is likely to impact secondary protein structure as these residues differ in polarity, charge, size and/or other properties. This substitution occurs at a position that is conserved across species; and in silico analysis predicts this variant is probably damaging to the protein structure/function. Based on the currently available information, it is unclear whether this variant is a pathogenic variant or a rare benign variant.